The following is an entry in ClinVar:

ClinVar aggregate classification (germline): Uncertain significance (1 of 4 stars; one submission).

Submission:

GeneDx
Classification: Uncertain significance. Last evaluated: 2025-07-21. Review status: criteria provided, single submitter. Criteria: GeneDx Variant Classification Process June 2021. Collection method: clinical testing. Allele origin: germline. Affected: yes.
Comment: Not observed at significant frequency in large population cohorts (gnomAD); In silico analysis supports that this missense variant has a deleterious effect on protein structure/function; Has not been previously published as pathogenic or benign to our knowledge; Located in one of the three hot-spot regions of the RYR2 gene, where the majority of pathogenic missense variants occur (PMID: 19926015); This variant is associated with the following publications: (PMID: 19926015)

NM_001035.3(RYR2):c.12167A>C (p.Lys4056Thr)

Gene: RYR2 (ryanodine receptor 2; plus strand). Cytogenetic location: 1q43.
Variant type: single nucleotide variant.
Coding change: c.12167A>C on transcript NM_001035.3 (MANE Select); coding-DNA position 12167, A replaced by C.
Protein change: p.Lys4056Thr; replaces lysine 4056 with threonine.
Molecular consequence: missense variant.
Genome position (GRCh38, 1-based): chr1:237,783,879, A>C. VCF-style: chr1-237783879-A-C. GRCh37 (hg19) VCF-style: chr1-237947179-A-C.
Other names: short protein forms K4056T.
Identifiers: ClinVar variation 4686992 (VCV004686992.1).
Genomic context (GRCh38, chr1:237,783,879, plus strand): 5'-ACCCCGATGGCAAGGGAGTCATTTCCAAGAGGGACTTCCACAAAGCGATGGAGAGCCATA[A>C]GCACTACACGCAGTCAGAAACGGAATTTCTTTTGTCTTGTGCGGAGACGGATGAGAATGA-3'
Protein context (NP_001026.2, residues 4046-4066): RDFHKAMESH[Lys4056Thr]HYTQSETEFL